The following is an entry in ClinVar:

ClinVar aggregate classification (germline): Uncertain significance (1 of 4 stars; one submission).

Conditions:
Primary ciliary dyskinesia 19. Also called: CILIARY DYSKINESIA, PRIMARY, 19, WITH OR WITHOUT SITUS INVERSUS. Identifiers: Orphanet 244, MedGen C3543826, MONDO:0013979, OMIM 614935.

gnomAD v4.1: 2 of 1,610,318 alleles (0.00012%); highest among the groups gnomAD compares: East Asian, 0.0045%; no homozygotes.

Submission:

Labcorp Genetics (formerly Invitae), Labcorp
Classification: Uncertain significance for Primary ciliary dyskinesia 19. Last evaluated: 2025-07-27. Review status: criteria provided, single submitter. Criteria: Invitae Variant Classification Sherloc (09022015). Collection method: clinical testing. Allele origin: germline.
Comment: This sequence change replaces serine, which is neutral and polar, with arginine, which is basic and polar, at codon 421 of the LRRC6 protein (p.Ser421Arg). This variant is not present in population databases (gnomAD no frequency). This variant has not been reported in the literature in individuals affected with LRRC6-related conditions. Invitae Evidence Modeling of protein sequence and biophysical properties (such as structural, functional, and spatial information, amino acid conservation, physicochemical variation, residue mobility, and thermodynamic stability) indicates that this missense variant is not expected to disrupt LRRC6 protein function with a negative predictive value of 80%. In summary, the available evidence is currently insufficient to determine the role of this variant in disease. Therefore, it has been classified as a Variant of Uncertain Significance.

NM_012472.6(DNAAF11):c.1263C>G (p.Ser421Arg)

Gene: DNAAF11 (dynein axonemal assembly factor 11; minus strand). Cytogenetic location: 8q24.22.
Variant type: single nucleotide variant.
Coding change: c.1263C>G on transcript NM_012472.6 (MANE Select); coding-DNA position 1263, C replaced by G.
Protein change: p.Ser421Arg; replaces serine 421 with arginine.
Molecular consequence: missense variant. On other transcripts: non-coding transcript variant (10).
Genome position (GRCh38, 1-based): chr8:132,572,444, G>C on the plus strand (C>G on the coding strand, the complement: DNAAF11 is on the minus strand). VCF-style: chr8-132572444-G-C. GRCh37 (hg19) VCF-style: chr8-133584692-G-C.
Other names: c.1203C>G, p.Ser401Arg (NM_001321961.2); c.1017C>G, p.Ser339Arg (NM_001321962.2); c.903C>G, p.Ser301Arg (NM_001321963.2, NM_001321964.2, NM_001321965.2); c.843C>G, p.Ser281Arg (NM_001321966.2); short protein forms S401R, S339R, S281R, S301R, S421R.
Identifiers: ClinVar variation 4705947 (VCV004705947.1).